The following is an entry in ClinVar:

ClinVar aggregate classification (germline): Conflicting classifications of pathogenicity. Review status: criteria provided, conflicting classifications (1 of 4 stars). 3 submissions from 2 submitters: Uncertain significance (1); Likely benign (2). Last evaluated 2025-12-15.

Conditions:
Pseudoachondroplastic spondyloepiphyseal dysplasia syndrome (PSACH). Also called: PSEUDOACHONDROPLASTIC DYSPLASIA; Pseudoachondroplasia; COMP-Related Pseudoachondroplasia. Identifiers: Orphanet 750, MedGen C0410538, MONDO:0008322, OMIM 177170.
Multiple epiphyseal dysplasia type 1. Also called: COMP-Related Multiple Epiphyseal Dysplasia. Identifiers: Orphanet 93308, MedGen C1838280, MONDO:0007561, OMIM 132400.

Allele frequency attached by ClinVar (database versions not stated): TOPMed 0.00015; ExAC 0.00016; gnomAD 0.00009; gnomAD exomes 0.00013 and 0.00016.
gnomAD v4.1: 211 of 1,612,180 alleles (0.013%); highest among the groups gnomAD compares: Admixed American, 0.032%; no homozygotes.

Submissions (3):

Labcorp Genetics (formerly Invitae), Labcorp
Classification: Likely benign. Last evaluated: 2025-12-15. Review status: criteria provided, single submitter. Criteria: Invitae Variant Classification Sherloc (09022015). Collection method: clinical testing. Allele origin: germline.

Illumina Laboratory Services, Illumina
Classification: Uncertain significance for Multiple epiphyseal dysplasia type 1. Last evaluated: 2018-01-12. Review status: criteria provided, single submitter. Criteria: ICSL Variant Classification Criteria 13 December 2019. Collection method: clinical testing. Allele origin: germline.

Illumina Laboratory Services, Illumina
Classification: Likely benign for Pseudoachondroplastic spondyloepiphyseal dysplasia syndrome. Last evaluated: 2018-01-12. Review status: criteria provided, single submitter. Criteria: ICSL Variant Classification Criteria 13 December 2019. Collection method: clinical testing. Allele origin: germline.
Comment: This variant was observed in the ICSL laboratory as part of a predisposition screen in an ostensibly healthy population. It had not been previously curated by ICSL or reported in the Human Gene Mutation Database (HGMD: prior to June 1st, 2018), and was therefore a candidate for classification through an automated scoring system. Utilizing variant allele frequency, disease prevalence and penetrance estimates, and inheritance mode, an automated score was calculated to assess if this variant is too frequent to cause the disease. Based on the score and internal cut-off values, a variant classified as likely benign is not then subjected to further curation. The score for this variant resulted in a classification of likely benign for this disease.

NM_000095.3(COMP):c.2213G>A (p.Arg738His)

Gene: COMP (cartilage oligomeric matrix protein; minus strand). Cytogenetic location: 19p13.11.
Variant type: single nucleotide variant.
Coding change: c.2213G>A on transcript NM_000095.3 (MANE Select); coding-DNA position 2213, G replaced by A.
Protein change: p.Arg738His; replaces arginine 738 with histidine.
Molecular consequence: missense variant.
Genome position (GRCh38, 1-based): chr19:18,783,068, C>T on the plus strand (G>A on the coding strand, the complement: COMP is on the minus strand). VCF-style: chr19-18783068-C-T. GRCh37 (hg19) VCF-style: chr19-18893878-C-T.
Other names: short protein forms R738H.
Identifiers: ClinVar variation 891938 (VCV000891938.12), dbSNP rs766913050, ClinGen allele CA9316149.